The following is an entry in ClinVar:

NM_015192.4(PLCB1):c.3120A>G (p.Gln1040=)

Gene: PLCB1 (phospholipase C beta 1; plus strand). Cytogenetic location: 20p12.3.
Variant type: single nucleotide variant.
Coding change: c.3120A>G on transcript NM_015192.4 (MANE Select); coding-DNA position 3120, A replaced by G.
Protein change: p.Gln1040=; no amino-acid change (glutamine 1040 retained).
Molecular consequence: synonymous variant.
Genome position (GRCh38, 1-based): chr20:8,788,457, A>G. VCF-style: chr20-8788457-A-G. GRCh37 (hg19) VCF-style: chr20-8769104-A-G.
Other names: p.Gln1040=; c.3120A>G, p.Gln1040= (NM_182734.3).
Identifiers: ClinVar variation 129911 (VCV000129911.37), dbSNP rs61755436, ClinGen allele CA154282.

ClinVar aggregate classification (germline): Benign/Likely benign. Review status: criteria provided, multiple submitters, no conflicts (2 of 4 stars). 11 submissions from 11 submitters: Benign (8); Likely benign (2). 1 of the submissions does not count toward it. Last evaluated 2026-02-03.

Conditions:
PLCB1-related disorder. Also called: PLCB1-related condition.
Inborn genetic diseases. Identifiers: MedGen C0950123, MeSH D030342.
Developmental and epileptic encephalopathy, 12 (DEE12). Identifiers: MedGen C3150988, MONDO:0013389, OMIM 613722.

Allele frequency attached by ClinVar (database versions not stated): ESP Exome Variant Server 0.00015; gnomAD exomes 0.00162 and 0.00764; gnomAD 0.00213 and 0.00225; TOPMed 0.00496; 1000 Genomes Project 30x 0.00515; 1000 Genomes Project 0.00519; ExAC 0.00602.
gnomAD v4.1: 2,689 of 1,613,110 alleles (0.17%); highest among the groups gnomAD compares: Admixed American, 4.1%; 66 homozygotes.

Submissions (14):

Labcorp Genetics (formerly Invitae), Labcorp
Classification: Benign for Developmental and epileptic encephalopathy, 12. Last evaluated: 2026-02-03. Review status: criteria provided, single submitter. Criteria: Invitae Variant Classification Sherloc (09022015). Collection method: clinical testing. Allele origin: germline.

Athena Diagnostics
Classification: Benign. Last evaluated: 2024-09-25. Review status: criteria provided, single submitter. Criteria: Athena Diagnostics Criteria. Collection method: clinical testing. Allele origin: unknown.

Fulgent Genetics
Classification: Likely benign for Developmental and epileptic encephalopathy, 12. Last evaluated: 2022-03-28. Review status: criteria provided, single submitter. Criteria: ACMG Guidelines, 2015. Collection method: clinical testing. Allele origin: unknown.

GeneDx
Classification: Benign. Last evaluated: 2020-12-08. Review status: criteria provided, single submitter. Criteria: GeneDx Variant Classification Process June 2021. Collection method: clinical testing. Allele origin: germline. Affected: yes.

Mayo Clinic Laboratories, Mayo Clinic
Classification: Benign. Last evaluated: 2018-08-14. Review status: criteria provided, single submitter. Criteria: ACMG Guidelines, 2015. Collection method: clinical testing. Allele origin: germline. Observed: 11 variant alleles.

Ambry Genetics
Classification: Benign for Inborn genetic diseases. Last evaluated: 2018-04-26. Review status: criteria provided, single submitter. Criteria: Ambry Variant Classification Scheme 2023. Collection method: clinical testing. Allele origin: germline.

Illumina Laboratory Services, Illumina
Classification: Benign for Developmental and epileptic encephalopathy, 12. Last evaluated: 2018-01-13. Review status: criteria provided, single submitter. Criteria: ICSL Variant Classification Criteria 13 December 2019. Collection method: clinical testing. Allele origin: germline.
Comment: This variant was observed in the ICSL laboratory as part of a predisposition screen in an ostensibly healthy population. It had not been previously curated by ICSL or reported in the Human Gene Mutation Database (HGMD: prior to June 1st, 2018), and was therefore a candidate for classification through an automated scoring system. Utilizing variant allele frequency, disease prevalence and penetrance estimates, and inheritance mode, an automated score was calculated to assess if this variant is too frequent to cause the disease. Based on the score and internal cut-off values, a variant classified as benign is not then subjected to further curation. The score for this variant resulted in a classification of benign for this disease.

Genetic Services Laboratory, University of Chicago
Classification: Benign. Last evaluated: 2016-08-12. Review status: criteria provided, single submitter. Criteria: ACMG Guidelines, 2015. Collection method: clinical testing. Allele origin: germline. Affected: no.

Eurofins Ntd Llc (ga)
Classification: Benign. Last evaluated: 2014-01-24. Review status: criteria provided, single submitter. Criteria: EGL Classification Definitions 2015. Collection method: clinical testing. Allele origin: germline. Observed: 1 variant allele, 1 heterozygote.

Breakthrough Genomics
Classification: Likely benign. Review status: criteria provided, single submitter. Criteria: ACMG Guidelines, 2015. Collection method: not provided. Allele origin: germline. Inheritance: Autosomal recessive inheritance. Affected: yes.

PreventionGenetics, part of Exact Sciences
Classification: Benign for PLCB1-related condition. Last evaluated: 2024-03-15. Review status: no assertion criteria provided. Collection method: clinical testing. Allele origin: germline. Not counted in ClinVar's aggregate classification.
Comment: This variant is classified as benign based on ACMG/AMP sequence variant interpretation guidelines (Richards et al. 2015 PMID: 25741868, with internal and published modifications).

Dr. Peter K. Rogan Lab, Western University
No classification provided (evidence only). Condition: Clear cell carcinoma of kidney. Review status: no classification provided. Collection method: in vitro. Allele origin: not applicable. Functional consequence: retained intron. Not counted in ClinVar's aggregate classification.

Dr. Peter K. Rogan Lab, Western University
No classification provided (evidence only). Condition: Clear cell carcinoma of kidney. Review status: no classification provided. Collection method: in vitro. Allele origin: not applicable. Functional consequence: retained intron. Not counted in ClinVar's aggregate classification.

Dr. Peter K. Rogan Lab, Western University
No classification provided (evidence only). Condition: Ovarian serous cystadenocarcinoma. Review status: no classification provided. Collection method: in vitro. Allele origin: not applicable. Functional consequence: retained intron. Not counted in ClinVar's aggregate classification.